The following is an entry in ClinVar:

ClinVar aggregate classification (germline): Uncertain significance (1 of 4 stars; one submission).

Submission:

Labcorp Genetics (formerly Invitae), Labcorp
Classification: Uncertain significance. Last evaluated: 2022-05-21. Review status: criteria provided, single submitter. Criteria: Invitae Variant Classification Sherloc (09022015). Collection method: clinical testing. Allele origin: germline.
Comment: In summary, the available evidence is currently insufficient to determine the role of this variant in disease. Therefore, it has been classified as a Variant of Uncertain Significance. Algorithms developed to predict the effect of missense changes on protein structure and function are either unavailable or do not agree on the potential impact of this missense change (SIFT: "Deleterious"; PolyPhen-2: "Probably Damaging"; Align-GVGD: "Class C0"). This variant has not been reported in the literature in individuals affected with SBF1-related conditions. This variant is not present in population databases (gnomAD no frequency). This sequence change replaces proline, which is neutral and non-polar, with alanine, which is neutral and non-polar, at codon 957 of the SBF1 protein (p.Pro957Ala).

NM_002972.4(SBF1):c.2869C>G (p.Pro957Ala)

Gene: SBF1 (SET binding factor 1; minus strand). Cytogenetic location: 22q13.33.
Variant type: single nucleotide variant.
Coding change: c.2869C>G on transcript NM_002972.4 (MANE Select); coding-DNA position 2869, C replaced by G.
Protein change: p.Pro957Ala; replaces proline 957 with alanine.
Molecular consequence: missense variant.
Genome position (GRCh38, 1-based): chr22:50,461,257, G>C on the plus strand (C>G on the coding strand, the complement: SBF1 is on the minus strand). VCF-style: chr22-50461257-G-C. GRCh37 (hg19) VCF-style: chr22-50899686-G-C.
Other names: c.2872C>G, p.Pro958Ala (NM_001365819.1, NM_001410794.1); c.2869C>G, p.Pro957Ala (NM_001410795.1, NM_197971.1); short protein forms P957A, P958A.
Identifiers: ClinVar variation 1997325 (VCV001997325.4), dbSNP rs2521931826, ClinGen allele CA412208174.